The following is an entry in ClinVar:

NM_000493.4(COL10A1):c.671A>T (p.Glu224Val)

Genes: COL10A1 (collagen type X alpha 1 chain; minus strand), NT5DC1 (5'-nucleotidase domain containing 1; plus strand). Cytogenetic location: 6q22.1.
Variant type: single nucleotide variant.
Coding change: c.671A>T on transcript NM_000493.4 (MANE Select); coding-DNA position 671, A replaced by T.
Protein change: p.Glu224Val; replaces glutamic acid 224 with valine.
Molecular consequence: missense variant. On other transcripts: intron variant (1).
Genome position (GRCh38, 1-based): chr6:116,121,445, T>A on the plus strand (A>T on the coding strand, the complement: COL10A1 is on the minus strand). VCF-style: chr6-116121445-T-A. GRCh37 (hg19) VCF-style: chr6-116442608-T-A.
Other names: c.671A>T, p.Glu224Val (NM_001424106.1, NM_001424107.1); c.529+3500T>A (NM_152729.3); short protein forms E224V.
Identifiers: ClinVar variation 4717075 (VCV004717075.1).

ClinVar aggregate classification (germline): Uncertain significance (1 of 4 stars; one submission).

Submission:

Labcorp Genetics (formerly Invitae), Labcorp
Classification: Uncertain significance. Last evaluated: 2025-08-09. Review status: criteria provided, single submitter. Criteria: Invitae Variant Classification Sherloc (09022015). Collection method: clinical testing. Allele origin: germline.
Comment: This sequence change replaces glutamic acid, which is acidic and polar, with valine, which is neutral and non-polar, at codon 224 of the COL10A1 protein (p.Glu224Val). This variant is not present in population databases (gnomAD no frequency). This variant has not been reported in the literature in individuals affected with COL10A1-related conditions. Invitae Evidence Modeling of protein sequence and biophysical properties (such as structural, functional, and spatial information, amino acid conservation, physicochemical variation, residue mobility, and thermodynamic stability) has been performed for this missense variant. However, the output from this modeling did not meet the statistical confidence thresholds required to predict the impact of this variant on COL10A1 protein function. In summary, the available evidence is currently insufficient to determine the role of this variant in disease. Therefore, it has been classified as a Variant of Uncertain Significance.